The following is an entry in ClinVar:

ClinVar aggregate classification (germline): Uncertain significance (1 of 4 stars; one submission).

Allele frequency attached by ClinVar (database versions not stated): gnomAD 0.00001; TOPMed 0.00001.
gnomAD v4.1: 2 of 1,613,968 alleles (0.00012%); highest among the groups gnomAD compares: African/African-American, 0.0027%; no homozygotes.

Submission:

Labcorp Genetics (formerly Invitae), Labcorp
Classification: Uncertain significance. Last evaluated: 2021-12-02. Review status: criteria provided, single submitter. Criteria: Invitae Variant Classification Sherloc (09022015). Collection method: clinical testing. Allele origin: germline.
Comment: In summary, the available evidence is currently insufficient to determine the role of this variant in disease. Therefore, it has been classified as a Variant of Uncertain Significance. Algorithms developed to predict the effect of missense changes on protein structure and function (SIFT, PolyPhen-2, Align-GVGD) all suggest that this variant is likely to be tolerated. This variant has not been reported in the literature in individuals affected with VCAN-related conditions. This variant is not present in population databases (gnomAD no frequency). This sequence change replaces valine, which is neutral and non-polar, with leucine, which is neutral and non-polar, at codon 2923 of the VCAN protein (p.Val2923Leu).

NM_004385.5(VCAN):c.8767G>T (p.Val2923Leu)

Genes: VCAN (versican; plus strand), VCAN-AS1 (VCAN antisense RNA 1; minus strand). Cytogenetic location: 5q14.3.
Variant type: single nucleotide variant.
Coding change: c.8767G>T on transcript NM_004385.5 (MANE Select); coding-DNA position 8767, G replaced by T.
Protein change: p.Val2923Leu; replaces valine 2923 with leucine.
Molecular consequence: missense variant. On other transcripts: intron variant (2).
Genome position (GRCh38, 1-based): chr5:83,541,770, G>T. VCF-style: chr5-83541770-G-T. GRCh37 (hg19) VCF-style: chr5-82837589-G-T.
Other names: c.5806G>T, p.Val1936Leu (NM_001164097.2); c.4004-3767G>T (NM_001164098.2); c.1043-3767G>T (NM_001126336.3); short protein forms V2923L, V1936L.
Identifiers: ClinVar variation 1928699 (VCV001928699.5), dbSNP rs973242073, ClinGen allele CA121776895.